The following is an entry in ClinVar:

NM_004287.5(GOSR2):c.*1711G>A

Genes: GOSR2 (golgi SNAP receptor complex member 2; plus strand), LRRC37A2 (leucine rich repeat containing 37 member A2). Cytogenetic location: 17q21.32.
Variant type: single nucleotide variant.
Coding change: c.*1711G>A on transcript NM_004287.5 (MANE Select); 1711 bases downstream of the stop codon, G replaced by A.
Molecular consequence: 3 prime UTR variant. On other transcripts: intron variant (3).
Genome position (GRCh38, 1-based): chr17:46,940,471, G>A. VCF-style: chr17-46940471-G-A. GRCh37 (hg19) VCF-style: chr17-45017837-G-A.
Other names: c.*1711G>A (NM_001321134.2, NM_001330252.2, NM_001353114.2 and 2 more transcripts); c.583+1767G>A (NM_001321133.2); c.584-84G>A (NM_054022.4); c.440-84G>A (NM_001353116.2).
Identifiers: ClinVar variation 323845 (VCV000323845.9), dbSNP rs11657819, ClinGen allele CA10649546.

ClinVar aggregate classification (germline): Benign. Review status: criteria provided, multiple submitters, no conflicts (2 of 4 stars). 3 submissions from 3 submitters: Benign (3). Last evaluated 2024-07-15.

Allele frequency attached by ClinVar (database versions not stated): TOPMed 0.07728; 1000 Genomes Project 30x 0.10103; 1000 Genomes Project 0.10224; gnomAD exomes 0.11011.
gnomAD v4.1: 173,088 of 1,611,346 alleles (11%); highest among the groups gnomAD compares: South Asian, 22%; 10,504 homozygotes.

Submissions (3):

Unidad de Genómica Garrahan, Hospital de Pediatría Garrahan
Classification: Benign. Last evaluated: 2024-07-15. Review status: criteria provided, single submitter. Criteria: ACMG Guidelines, 2015. Collection method: clinical testing. Allele origin: germline. Affected: no. Observed: 24 variant alleles.
Comment: This variant is classified as Benign based on local population frequency. This variant was detected in 26% of patients studied in a panel designed for Epileptic and Developmental Encephalopathy and Progressive Myoclonus Epilepsy. Number of patients: 24. Only high quality variants are reported.

GeneDx
Classification: Benign. Last evaluated: 2018-06-14. Review status: criteria provided, single submitter. Criteria: GeneDx Variant Classification Process June 2021. Collection method: clinical testing. Allele origin: germline. Affected: yes.

Breakthrough Genomics
Classification: Benign. Review status: criteria provided, single submitter. Criteria: ACMG Guidelines, 2015. Collection method: not provided. Allele origin: germline. Inheritance: Autosomal recessive inheritance. Affected: yes.